The following is an entry in ClinVar:

NM_005994.4(TBX2):c.59G>C (p.Arg20Pro)

Gene: TBX2 (T-box transcription factor 2; plus strand). Cytogenetic location: 17q23.2.
Variant type: single nucleotide variant.
Coding change: c.59G>C on transcript NM_005994.4 (MANE Select); coding-DNA position 59, G replaced by C.
Protein change: p.Arg20Pro; replaces arginine 20 with proline.
Molecular consequence: missense variant.
Genome position (GRCh38, 1-based): chr17:61,400,235, G>C. VCF-style: chr17-61400235-G-C. GRCh37 (hg19) VCF-style: chr17-59477596-G-C.
Other names: short protein forms R20P.
Identifiers: ClinVar variation 4855952 (VCV004855952.1).

ClinVar aggregate classification (germline): Uncertain significance (1 of 4 stars; one submission).

Conditions:
Vertebral anomalies and variable endocrine and T-cell dysfunction. Identifiers: MedGen C4748741, MONDO:0032607, OMIM 618223.

Submission:

3billion
Classification: Uncertain significance for Vertebral anomalies and variable endocrine and T-cell dysfunction. Last evaluated: 2025-09-23. Review status: criteria provided, single submitter. Criteria: ACMG Guidelines, 2015. Collection method: clinical testing. Allele origin: germline. Affected: yes.
Comment: The variant is not observed in the gnomAD v4.1.0 dataset. Predicted Consequence/Location: Missense variant. In silico tool predictions suggest damaging effect of the variant on gene or gene product [REVEL: 0.64 (>=0.6, sensitivity 0.68 and specificity 0.92)]. A different missense change at the same codon (p.Arg20Gln) has been reported as pathogenic/likely pathogenic with strong evidence (ClinVar ID: VCV000522826 /PMID: 29726930). Therefore, this variant is classified as VUS according to the recommendation of ACMG/AMP guideline.

Literature cited by the submitters: PubMed 29726930.